The following is an entry in ClinVar:

NM_148923.4(CYB5A):c.130-9T>C

Gene: CYB5A (cytochrome b5 type A; minus strand). Cytogenetic location: 18q22.3.
Variant type: single nucleotide variant.
Coding change: c.130-9T>C on transcript NM_148923.4 (MANE Select); 9 bases into the intron before coding-DNA position 130, T replaced by C.
Molecular consequence: intron variant.
Genome position (GRCh38, 1-based): chr18:74,263,486, A>G on the plus strand (T>C on the coding strand, the complement: CYB5A is on the minus strand). VCF-style: chr18-74263486-A-G. GRCh37 (hg19) VCF-style: chr18-71930721-A-G.
Other names: c.130-9T>C (NM_001190807.3, NM_001914.4).
Identifiers: ClinVar variation 3346023 (VCV003346023.1).

ClinVar aggregate classification (germline): Likely benign (0 of 4 stars; one submission).

Conditions:
CYB5A-related disorder. Also called: CYB5A-related condition.

Submission:

PreventionGenetics, part of Exact Sciences
Classification: Likely benign for CYB5A-related condition. Last evaluated: 2024-08-22. Review status: no assertion criteria provided. Collection method: clinical testing. Allele origin: germline.
Comment: This variant is classified as likely benign based on ACMG/AMP sequence variant interpretation guidelines (Richards et al. 2015 PMID: 25741868, with internal and published modifications).